The following is an entry in ClinVar:

ClinVar aggregate classification (germline): Uncertain significance (1 of 4 stars; one submission).

Conditions:
Hypertrophic cardiomyopathy 10. Also called: CARDIOMYOPATHY, HYPERTROPHIC, MID-LEFT VENTRICULAR CHAMBER TYPE, 2; MYL2-Related Familial Hypertrophic Cardiomyopathy. Identifiers: MedGen C1834460, MONDO:0012112, OMIM 608758.

Submission:

Labcorp Genetics (formerly Invitae), Labcorp
Classification: Uncertain significance for Hypertrophic cardiomyopathy 10. Last evaluated: 2022-07-12. Review status: criteria provided, single submitter. Criteria: Invitae Variant Classification Sherloc (09022015). Collection method: clinical testing. Allele origin: germline.
Comment: This sequence change creates a premature translational stop signal (p.Tyr118Leufs*19) in the MYL2 gene. While this is not anticipated to result in nonsense mediated decay, it is expected to disrupt the last 49 amino acid(s) of the MYL2 protein. In summary, the available evidence is currently insufficient to determine the role of this variant in disease. Therefore, it has been classified as a Variant of Uncertain Significance. Experimental studies and prediction algorithms are not available or were not evaluated, and the functional significance of this variant is currently unknown. ClinVar contains an entry for this variant (Variation ID: 1509294). This variant has not been reported in the literature in individuals affected with MYL2-related conditions. This variant is not present in population databases (gnomAD no frequency).

NM_000432.4(MYL2):c.352dup (p.Tyr118fs)

Gene: MYL2 (myosin light chain 2; minus strand). Cytogenetic location: 12q24.11.
Variant type: Duplication.
Coding change: c.352dup on transcript NM_000432.4 (MANE Select); coding-DNA position 352, one base duplicated (T; older notation c.352dupT).
Protein change: p.Tyr118fs; shifts the reading frame from tyrosine 118.
Molecular consequence: frameshift variant.
Genome position (GRCh38, 1-based): chr12:110,913,247, A duplicated on the plus strand (T on the coding strand, the reverse complement: MYL2 is on the minus strand); the first of 2 consecutive A bases (chr12:110,913,247-110,913,248); duplicating either gives the same sequence. VCF-style (leftmost placement, unchanged base first): chr12-110913246-T-TA. GRCh37 (hg19) VCF-style: chr12-111351050-T-TA.
Other names: short protein forms Y118fs.
Identifiers: ClinVar variation 1509294 (VCV001509294.6), dbSNP rs2136770744, ClinGen allele CA2573147985.